The following is an entry in ClinVar:

ClinVar aggregate classification (germline): Likely benign. Review status: criteria provided, multiple submitters, no conflicts (2 of 4 stars). 7 submissions from 7 submitters: Likely benign (6). 1 of the submissions does not count toward it. Last evaluated 2026-06-09.

Conditions:
SOX2-related disorder. Also called: SOX2-related condition.
Anophthalmia/microphthalmia-esophageal atresia syndrome (MCOPS3). Also called: AEG SYNDROME; SOX2 Disorder; MICROPHTHALMIA AND ESOPHAGEAL ATRESIA SYNDROME. Identifiers: Orphanet 77298, MedGen C1859773, MONDO:0008799, OMIM 206900.

Allele frequency attached by ClinVar (database versions not stated): gnomAD 0.00013 and 0.00016; gnomAD exomes 0.00018 and 0.00020; 1000 Genomes Project 0.00020; TOPMed 0.00020; ExAC 0.00022; 1000 Genomes Project 30x 0.00031; ESP Exome Variant Server 0.00038.

Submissions (7):

Women's Health and Genetics/Laboratory Corporation of America, LabCorp
Classification: Likely benign. Last evaluated: 2026-06-09. Review status: criteria provided, single submitter. Criteria: LabCorp Variant Classification Summary - May 2015. Collection method: clinical testing. Allele origin: germline.

Labcorp Genetics (formerly Invitae), Labcorp
Classification: Likely benign for Anophthalmia/microphthalmia-esophageal atresia syndrome. Last evaluated: 2026-01-12. Review status: criteria provided, single submitter. Criteria: Invitae Variant Classification Sherloc (09022015). Collection method: clinical testing. Allele origin: germline.

CeGaT Center for Human Genetics Tuebingen
Classification: Likely benign. Last evaluated: 2025-12-01. Review status: criteria provided, single submitter. Criteria: CeGaT Center For Human Genetics Tuebingen Variant Classification Criteria Version 2. Collection method: clinical testing. Allele origin: germline. Affected: yes. Observed: 3 variant alleles.
Comment: SOX2: BP4, BP7

Blueprint Genetics
Classification: Likely benign. Last evaluated: 2024-11-21. Review status: criteria provided, single submitter. Criteria: ACMG Guidelines, 2015. Collection method: clinical testing. Allele origin: germline.

GeneDx
Classification: Likely benign. Last evaluated: 2017-10-19. Review status: criteria provided, single submitter. Criteria: GeneDx Variant Classification (06012015). Collection method: clinical testing. Allele origin: germline. Affected: yes.
Comment: This variant is considered likely benign or benign based on one or more of the following criteria: it is a conservative change, it occurs at a poorly conserved position in the protein, it is predicted to be benign by multiple in silico algorithms, and/or has population frequency not consistent with disease.

Breakthrough Genomics
Classification: Likely benign. Review status: criteria provided, single submitter. Criteria: ACMG Guidelines, 2015. Collection method: not provided. Allele origin: germline. Inheritance: Autosomal dominant inheritance. Affected: yes.

PreventionGenetics, part of Exact Sciences
Classification: Likely benign for SOX2-related condition. Last evaluated: 2019-02-20. Review status: no assertion criteria provided. Collection method: clinical testing. Allele origin: germline. Not counted in ClinVar's aggregate classification.
Comment: This variant is classified as likely benign based on ACMG/AMP sequence variant interpretation guidelines (Richards et al. 2015 PMID: 25741868, with internal and published modifications).

NM_003106.4(SOX2):c.243T>G (p.Leu81=)

Genes: SOX2-OT (SOX2 overlapping transcript; plus strand), SOX2 (SRY-box transcription factor 2; plus strand), LOC108281177 (SOX2 5' regulatory region; plus strand). Cytogenetic location: 3q26.33.
Variant type: single nucleotide variant.
Coding change: c.243T>G on transcript NM_003106.4 (MANE Select); coding-DNA position 243, T replaced by G.
Protein change: p.Leu81=; no amino-acid change (leucine 81 retained).
Molecular consequence: synonymous variant.
Genome position (GRCh38, 1-based): chr3:181,712,603, T>G. VCF-style: chr3-181712603-T-G. GRCh37 (hg19) VCF-style: chr3-181430391-T-G.
Identifiers: ClinVar variation 516220 (VCV000516220.36), dbSNP rs141391454, ClinGen allele CA2717254.